The following is an entry in ClinVar:

ClinVar aggregate classification (germline): Uncertain significance. Review status: criteria provided, multiple submitters, no conflicts (2 of 4 stars). 2 submissions from 2 submitters: Uncertain significance (2). Last evaluated 2026-03-11.

Conditions:
Distal myopathy with posterior leg and anterior hand involvement. Also called: WILLIAMS DISTAL MYOPATHY. Identifiers: Orphanet 63273, MedGen C3279722, MONDO:0013550, OMIM 614065.
Hypertrophic cardiomyopathy 26. Also called: Cardiomyopathy, familial hypertrophic, 26. Identifiers: Orphanet 75249, MedGen C4310749, MONDO:0014883, OMIM 617047.
Myofibrillar myopathy 5. Also called: Filaminopathy (type); FILAMINOPATHY, AUTOSOMAL DOMINANT. Identifiers: Orphanet 171445, MedGen C1836050, MONDO:0012289, OMIM 609524.
Cardiovascular phenotype. Identifiers: MedGen CN230736.

Allele frequency attached by ClinVar (database versions not stated): gnomAD 0.00001; ExAC 0.00004; 1000 Genomes Project 30x 0.00016; 1000 Genomes Project 0.00020.
gnomAD v4.1: 11 of 1,601,474 alleles (0.00069%); highest among the groups gnomAD compares: South Asian, 0.0045%; no homozygotes.

Submissions (2):

Ambry Genetics
Classification: Uncertain significance for Cardiovascular phenotype. Last evaluated: 2026-03-11. Review status: criteria provided, single submitter. Criteria: Ambry Variant Classification Scheme 2023. Collection method: clinical testing. Allele origin: germline.
Comment: The p.R219Q variant (also known as c.656G>A), located in coding exon 3 of the FLNC gene, results from a G to A substitution at nucleotide position 656. The arginine at codon 219 is replaced by glutamine, an amino acid with highly similar properties. This amino acid position is conserved. In addition, this alteration is predicted to be tolerated by in silico analysis. Based on the available evidence, the clinical significance of this variant remains unclear.

Labcorp Genetics (formerly Invitae), Labcorp
Classification: Uncertain significance for Distal myopathy with posterior leg and anterior hand involvement; Myofibrillar myopathy 5; Hypertrophic cardiomyopathy 26. Last evaluated: 2025-01-01. Review status: criteria provided, single submitter. Criteria: Invitae Variant Classification Sherloc (09022015). Collection method: clinical testing. Allele origin: germline.
Comment: This sequence change replaces arginine, which is basic and polar, with glutamine, which is neutral and polar, at codon 219 of the FLNC protein (p.Arg219Gln). The frequency data for this variant in the population databases is considered unreliable, as metrics indicate poor data quality at this position in the gnomAD database. This variant has not been reported in the literature in individuals affected with FLNC-related conditions. ClinVar contains an entry for this variant (Variation ID: 1954130). Invitae Evidence Modeling of protein sequence and biophysical properties (such as structural, functional, and spatial information, amino acid conservation, physicochemical variation, residue mobility, and thermodynamic stability) has been performed for this missense variant. However, the output from this modeling did not meet the statistical confidence thresholds required to predict the impact of this variant on FLNC protein function. In summary, the available evidence is currently insufficient to determine the role of this variant in disease. Therefore, it has been classified as a Variant of Uncertain Significance.

NM_001458.5(FLNC):c.656G>A (p.Arg219Gln)

Gene: FLNC (filamin C; plus strand). Cytogenetic location: 7q32.1.
Variant type: single nucleotide variant.
Coding change: c.656G>A on transcript NM_001458.5 (MANE Select); coding-DNA position 656, G replaced by A.
Protein change: p.Arg219Gln; replaces arginine 219 with glutamine.
Molecular consequence: missense variant.
Genome position (GRCh38, 1-based): chr7:128,837,214, G>A. VCF-style: chr7-128837214-G-A. GRCh37 (hg19) VCF-style: chr7-128477268-G-A.
Other names: c.656G>A, p.Arg219Gln (NM_001127487.2); short protein forms R219Q.
Identifiers: ClinVar variation 1954130 (VCV001954130.6), dbSNP rs570928058, ClinGen allele CA4474088.